The following is an entry in ClinVar:

NM_004655.4(AXIN2):c.1822C>G (p.Leu608Val)

Gene: AXIN2 (axin 2; minus strand). Cytogenetic location: 17q24.1.
Variant type: single nucleotide variant.
Coding change: c.1822C>G on transcript NM_004655.4 (MANE Select); coding-DNA position 1822, C replaced by G.
Protein change: p.Leu608Val; replaces leucine 608 with valine.
Molecular consequence: missense variant. On other transcripts: intron variant (1).
Genome position (GRCh38, 1-based): chr17:65,536,954, G>C on the plus strand (C>G on the coding strand, the complement: AXIN2 is on the minus strand). VCF-style: chr17-65536954-G-C. GRCh37 (hg19) VCF-style: chr17-63533072-G-C.
Other names: c.1712+370C>G (NM_001363813.1); short protein forms L608V.
Identifiers: ClinVar variation 1061815 (VCV001061815.12), dbSNP rs2144449691, ClinGen allele CA400676557.

ClinVar aggregate classification (germline): Uncertain significance. Review status: criteria provided, multiple submitters, no conflicts (2 of 4 stars). 2 submissions from 2 submitters: Uncertain significance (2). Last evaluated 2025-06-02.

Conditions:
Hereditary cancer-predisposing syndrome. Also called: Neoplastic Syndromes, Hereditary; Hereditary Cancer Syndrome; Hereditary neoplastic syndrome; Tumor predisposition. Identifiers: Orphanet 140162, MedGen C0027672, MeSH D009386, MONDO:0015356.
Oligodontia-cancer predisposition syndrome. Also called: TOOTH AGENESIS-COLORECTAL CANCER SYNDROME. Identifiers: Orphanet 300576, MedGen C1837750, MONDO:0012075, OMIM 608615. Disease mechanism: loss of function.

Submissions (2):

Labcorp Genetics (formerly Invitae), Labcorp
Classification: Uncertain significance for Oligodontia-cancer predisposition syndrome. Last evaluated: 2025-06-02. Review status: criteria provided, single submitter. Criteria: Invitae Variant Classification Sherloc (09022015). Collection method: clinical testing. Allele origin: germline.
Comment: This sequence change replaces leucine, which is neutral and non-polar, with valine, which is neutral and non-polar, at codon 608 of the AXIN2 protein (p.Leu608Val). This variant is not present in population databases (gnomAD no frequency). This variant has not been reported in the literature in individuals affected with AXIN2-related conditions. ClinVar contains an entry for this variant (Variation ID: 1061815). An algorithm developed to predict the effect of missense changes on protein structure and function (PolyPhen-2) suggests that this variant is likely to be disruptive. In summary, the available evidence is currently insufficient to determine the role of this variant in disease. Therefore, it has been classified as a Variant of Uncertain Significance.

Ambry Genetics
Classification: Uncertain significance for Hereditary cancer-predisposing syndrome. Last evaluated: 2025-02-14. Review status: criteria provided, single submitter. Criteria: Ambry Variant Classification Scheme 2023. Collection method: clinical testing. Allele origin: germline.
Comment: The p.L608V variant (also known as c.1822C>G), located in coding exon 6 of the AXIN2 gene, results from a C to G substitution at nucleotide position 1822. The leucine at codon 608 is replaced by valine, an amino acid with highly similar properties. This amino acid position is well conserved in available vertebrate species. In addition, this alteration is predicted to be tolerated by in silico analysis. Based on the available evidence, the clinical significance of this variant remains unclear.